The following is an entry in ClinVar:

ClinVar aggregate classification (germline): Uncertain significance (1 of 4 stars; one submission).

Submission:

GeneDx
Classification: Uncertain significance. Last evaluated: 2022-07-07. Review status: criteria provided, single submitter. Criteria: GeneDx Variant Classification Process June 2021. Collection method: clinical testing. Allele origin: germline. Affected: yes.
Comment: Not observed at significant frequency in large population cohorts (gnomAD); In silico analysis supports that this missense variant has a deleterious effect on protein structure/function; Has not been previously published as pathogenic or benign to our knowledge

NM_001378452.1(ITPR1):c.1711C>A (p.Gln571Lys)

Gene: ITPR1 (inositol 1,4,5-trisphosphate receptor type 1; plus strand). Cytogenetic location: 3p26.1.
Variant type: single nucleotide variant.
Coding change: c.1711C>A on transcript NM_001378452.1 (MANE Select); coding-DNA position 1711, C replaced by A.
Protein change: p.Gln571Lys; replaces glutamine 571 with lysine.
Molecular consequence: missense variant.
Genome position (GRCh38, 1-based): chr3:4,665,294, C>A. VCF-style: chr3-4665294-C-A. GRCh37 (hg19) VCF-style: chr3-4706978-C-A.
Other names: c.1711C>A, p.Gln571Lys (NM_001099952.4); c.1666C>A, p.Gln556Lys (NM_001168272.2, NM_002222.7); short protein forms Q571K, Q556K.
Identifiers: ClinVar variation 1810699 (VCV001810699.1), dbSNP rs2470716310, ClinGen allele CA351642435.